The following is an entry in ClinVar:

ClinVar aggregate classification (germline): Uncertain significance (1 of 4 stars; one submission).

Conditions:
Costello syndrome (CSTLO). Also called: FCS SYNDROME; FACIOCUTANEOSKELETAL SYNDROME; HRAS-Related Costello Syndrome. Identifiers: Orphanet 3071, MedGen C0587248, MONDO:0009026, OMIM 218040.

Allele frequency attached by ClinVar (database versions not stated): gnomAD exomes below 0.00001.
gnomAD v4.1: 3 of 1,613,106 alleles (0.00019%); highest among the groups gnomAD compares: Non-Finnish European, 0.00017%; no homozygotes.

Submission:

Labcorp Genetics (formerly Invitae), Labcorp
Classification: Uncertain significance for Costello syndrome. Last evaluated: 2021-03-07. Review status: criteria provided, single submitter. Criteria: Invitae Variant Classification Sherloc (09022015). Collection method: clinical testing. Allele origin: germline.
Comment: This variant is not present in population databases (ExAC no frequency). In summary, the available evidence is currently insufficient to determine the role of this variant in disease. Therefore, it has been classified as a Variant of Uncertain Significance. Advanced modeling of protein sequence and biophysical properties (such as structural, functional, and spatial information, amino acid conservation, physicochemical variation, residue mobility, and thermodynamic stability) performed at Invitae indicates that this missense variant is not expected to disrupt HRAS protein function. This variant has not been reported in the literature in individuals with HRAS-related conditions. This sequence change replaces serine with asparagine at codon 177 of the HRAS protein (p.Ser177Asn). The serine residue is moderately conserved and there is a small physicochemical difference between serine and asparagine.

NM_005343.4(HRAS):c.530G>A (p.Ser177Asn)

Genes: LRRC56 (leucine rich repeat containing 56; plus strand), HRAS (HRas proto-oncogene, GTPase; minus strand). Cytogenetic location: 11p15.5.
Variant type: single nucleotide variant.
Coding change: c.530G>A on transcript NM_005343.4 (MANE Select); coding-DNA position 530, G replaced by A.
Protein change: p.Ser177Asn; replaces serine 177 with asparagine.
Molecular consequence: missense variant. On other transcripts: 3 prime UTR variant (1).
Genome position (GRCh38, 1-based): chr11:532,676, C>T on the plus strand (G>A on the coding strand, the complement: HRAS is on the minus strand). VCF-style: chr11-532676-C-T. GRCh37 (hg19) VCF-style: chr11-532676-C-T.
Other names: c.530G>A, p.Ser177Asn (NM_001130442.3); c.293G>A, p.Ser98Asn (NM_001318054.2); c.*99G>A (NM_176795.5); short protein forms S98N, S177N.
Identifiers: ClinVar variation 1376888 (VCV001376888.8), dbSNP rs1191074796, ClinGen allele CA378921010.
Genomic context (GRCh38, chr11:532,676, plus strand): 5'-GGGAGTCCCCCTCACCTGCGTCAGGAGAGCACACACTTGCAGCTCATGCAGCCGGGGCCA[C>T]TCTCATCAGGAGGGTTCAGCTTCCGCAGCTTGTGCTGCCGGATCTCACGCACCAACGTGT-3'
Protein context (NP_005334.1, residues 167-187): KLRKLNPPDE[Ser177Asn]GPGCMSCKCV